The following is an entry in ClinVar:

ClinVar aggregate classification (germline): Conflicting classifications of pathogenicity. Review status: criteria provided, conflicting classifications (1 of 4 stars). 10 submissions from 10 submitters: Uncertain significance (1); Benign (2); Likely benign (6). 1 of the submissions does not count toward it. Last evaluated 2026-01-27.

Conditions:
ASPM-related disorder. Also called: ASPM-related condition.
Microcephaly 5, primary, autosomal recessive (MCPH5). Also called: ASPM Primary Microcephaly. Identifiers: Orphanet 2512, MedGen C1837501, MONDO:0012106, OMIM 608716.

Allele frequency attached by ClinVar (database versions not stated): 1000 Genomes Project 0.00020; 1000 Genomes Project 30x 0.00031; gnomAD 0.00209 and 0.00217; ESP Exome Variant Server 0.00215; TOPMed 0.00257.
gnomAD v4.1: 4,121 of 1,613,904 alleles (0.26%); highest among the groups gnomAD compares: Middle Eastern, 1.1%; 13 homozygotes.

Submissions (10):

Labcorp Genetics (formerly Invitae), Labcorp
Classification: Likely benign. Last evaluated: 2026-01-27. Review status: criteria provided, single submitter. Criteria: Invitae Variant Classification Sherloc (09022015). Collection method: clinical testing. Allele origin: germline.

CeGaT Center for Human Genetics Tuebingen
Classification: Likely benign. Last evaluated: 2025-12-01. Review status: criteria provided, single submitter. Criteria: CeGaT Center For Human Genetics Tuebingen Variant Classification Criteria Version 2. Collection method: clinical testing. Allele origin: germline. Affected: yes. Observed: 4 variant alleles.
Comment: ASPM: BP4, BS2

Women's Health and Genetics/Laboratory Corporation of America, LabCorp
Classification: Likely benign. Last evaluated: 2025-10-03. Review status: criteria provided, single submitter. Criteria: LabCorp Variant Classification Summary - May 2015. Collection method: clinical testing. Allele origin: germline.
Comment: Variant summary: ASPM c.1717C>T (p.Arg573Trp) results in a non-conservative amino acid change in the encoded protein sequence. Algorithms developed to predict the effect of missense changes on protein structure and function are either unavailable or do not agree on the potential impact of this missense change. The variant allele was found at a frequency of 0.0019 in 251182 control chromosomes, predominantly at a frequency of 0.003 within the Latino subpopulation in the gnomAD database, including 1 homozygote. The observed variant frequency within Latino control individuals in the gnomAD database exceeds the estimated maximal expected allele frequency for disease-causing variants in ASPM. To our knowledge, no occurrence of c.1717C>T in individuals affected with ASPM-related conditions and no experimental evidence demonstrating its impact on protein function have been reported. ClinVar contains an entry for this variant (Variation ID: 157784). Based on the evidence outlined above, the variant was classified as likely benign.

Blueprint Genetics
Classification: Likely benign. Last evaluated: 2024-11-26. Review status: criteria provided, single submitter. Criteria: ACMG Guidelines, 2015. Collection method: clinical testing. Allele origin: germline.

Athena Diagnostics
Classification: Benign. Last evaluated: 2019-10-08. Review status: criteria provided, single submitter. Criteria: Athena Diagnostics Criteria. Collection method: clinical testing. Allele origin: unknown.

GeneDx
Classification: Benign. Last evaluated: 2019-04-01. Review status: criteria provided, single submitter. Criteria: GeneDx Variant Classification Process June 2021. Collection method: clinical testing. Allele origin: germline. Affected: yes.

Illumina Laboratory Services, Illumina
Classification: Uncertain significance for Microcephaly 5, primary, autosomal recessive. Last evaluated: 2018-01-13. Review status: criteria provided, single submitter. Criteria: ICSL Variant Classification Criteria 13 December 2019. Collection method: clinical testing. Allele origin: germline.

Genetic Services Laboratory, University of Chicago
Classification: Likely benign. Last evaluated: 2017-06-15. Review status: criteria provided, single submitter. Criteria: ACMG Guidelines, 2015. Collection method: clinical testing. Allele origin: germline. Affected: no.

Eurofins Ntd Llc (ga)
Classification: Likely benign. Last evaluated: 2016-02-26. Review status: criteria provided, single submitter. Criteria: EGL Classification Definitions 2015. Collection method: clinical testing. Allele origin: germline. Observed: 1 variant allele, 1 heterozygote.

PreventionGenetics, part of Exact Sciences
Classification: Likely benign for ASPM-related condition. Last evaluated: 2019-05-22. Review status: no assertion criteria provided. Collection method: clinical testing. Allele origin: germline. Not counted in ClinVar's aggregate classification.
Comment: This variant is classified as likely benign based on ACMG/AMP sequence variant interpretation guidelines (Richards et al. 2015 PMID: 25741868, with internal and published modifications).

NM_018136.5(ASPM):c.1717C>T (p.Arg573Trp)

Gene: ASPM (assembly factor for spindle microtubules; minus strand). Cytogenetic location: 1q31.3.
Variant type: single nucleotide variant.
Coding change: c.1717C>T on transcript NM_018136.5 (MANE Select); coding-DNA position 1717, C replaced by T.
Protein change: p.Arg573Trp; replaces arginine 573 with tryptophan.
Molecular consequence: missense variant.
Genome position (GRCh38, 1-based): chr1:197,142,535, G>A on the plus strand (C>T on the coding strand, the complement: ASPM is on the minus strand). VCF-style: chr1-197142535-G-A. GRCh37 (hg19) VCF-style: chr1-197111665-G-A.
Other names: c.1717C>T, p.Arg573Trp (NM_001206846.2); short protein forms R573W.
Identifiers: ClinVar variation 157784 (VCV000157784.51), dbSNP rs144049904, ClinGen allele CA271006.